The following is an entry in ClinVar:

ClinVar aggregate classification (germline): Uncertain significance. Review status: criteria provided, multiple submitters, no conflicts (2 of 4 stars). 2 submissions from 2 submitters: Uncertain significance (2). Last evaluated 2024-09-24.

Conditions:
Cardiovascular phenotype. Identifiers: MedGen CN230736.

Allele frequency attached by ClinVar (database versions not stated): gnomAD exomes 0.00001.
gnomAD v4.1: 6 of 1,550,306 alleles (0.00039%); highest among the groups gnomAD compares: Non-Finnish European, 0.00052%; no homozygotes.

Submissions (2):

GeneDx
Classification: Uncertain significance. Last evaluated: 2024-09-24. Review status: criteria provided, single submitter. Criteria: GeneDx Variant Classification Process June 2021. Collection method: clinical testing. Allele origin: germline. Affected: yes.
Comment: Has not been previously published as pathogenic or benign to our knowledge; Not observed at significant frequency in large population cohorts (gnomAD); In silico analysis indicates that this missense variant does not alter protein structure/function

Ambry Genetics
Classification: Uncertain significance for Cardiovascular phenotype. Last evaluated: 2023-10-10. Review status: criteria provided, single submitter. Criteria: Ambry Variant Classification Scheme 2023. Collection method: clinical testing. Allele origin: germline.
Comment: The p.E2162K variant (also known as c.6484G>A), located in coding exon 2 of the ZNF469 gene, results from a G to A substitution at nucleotide position 6484. The glutamic acid at codon 2162 is replaced by lysine, an amino acid with similar properties. This amino acid position is conserved. In addition, this alteration is predicted to be tolerated by in silico analysis. Since supporting evidence is limited at this time, the clinical significance of this alteration remains unclear.

NM_001367624.2(ZNF469):c.6568G>A (p.Glu2190Lys)

Gene: ZNF469 (zinc finger protein 469; plus strand). Cytogenetic location: 16q24.2.
Variant type: single nucleotide variant.
Coding change: c.6568G>A on transcript NM_001367624.2 (MANE Select); coding-DNA position 6568, G replaced by A.
Protein change: p.Glu2190Lys; replaces glutamic acid 2190 with lysine.
Molecular consequence: missense variant.
Genome position (GRCh38, 1-based): chr16:88,434,038, G>A. VCF-style: chr16-88434038-G-A. GRCh37 (hg19) VCF-style: chr16-88500446-G-A.
Other names: NM_001127464.1:c.6484G>A; short protein forms E2190K.
Identifiers: ClinVar variation 2558862 (VCV002558862.3), dbSNP rs1437061683, ClinGen allele CA397106207.
Genomic context (GRCh38, chr16:88,434,038, plus strand): 5'-CCTGCCTGGGCACCTCTGGAAGAGGCAGATGGCGTCCAAGCCACGACAGATACTGGGGCT[G>A]AGGATTCCCCGGTGGCTCCCCCGTCTTTGACAACAAGCCCCTGCGATCCCAAGGAAGCCC-3'
Protein context (NP_001354553.1, residues 2180-2200): GVQATTDTGA[Glu2190Lys]DSPVAPPSLT